The following is an entry in ClinVar:

ClinVar aggregate classification (germline): Uncertain significance (1 of 4 stars; one submission).

Conditions:
Congenital myasthenic syndrome 20. Also called: Myasthenic syndrome, congenital, 20, presynaptic. Identifiers: MedGen C4310694, MONDO:0014939, OMIM 617143.
Neuronopathy, distal hereditary motor, type 7A. Also called: HARPER-YOUNG MYOPATHY; HMN VIIA; SPINAL MUSCULAR ATROPHY, DISTAL, WITH VOCAL CORD PARALYSIS; NEURONOPATHY, DISTAL HEREDITARY MOTOR, HARDING TYPE VIIA; NEUROPATHY, DISTAL HEREDITARY MOTOR, HARDING TYPE VIIA; Neuronopathy, distal hereditary motor, autosomal dominant 7. Identifiers: Orphanet 139589, MedGen C1834703, MONDO:0008024, OMIM 158580.

Allele frequency attached by ClinVar (database versions not stated): TOPMed below 0.00001.

Submission:

Labcorp Genetics (formerly Invitae), Labcorp
Classification: Uncertain significance for Neuronopathy, distal hereditary motor, type 7A; Congenital myasthenic syndrome 20. Last evaluated: 2022-07-06. Review status: criteria provided, single submitter. Criteria: Invitae Variant Classification Sherloc (09022015). Collection method: clinical testing. Allele origin: germline.
Comment: This sequence change replaces tryptophan, which is neutral and slightly polar, with arginine, which is basic and polar, at codon 228 of the SLC5A7 protein (p.Trp228Arg). This variant is not present in population databases (gnomAD no frequency). In summary, the available evidence is currently insufficient to determine the role of this variant in disease. Therefore, it has been classified as a Variant of Uncertain Significance. Algorithms developed to predict the effect of missense changes on protein structure and function (SIFT, PolyPhen-2, Align-GVGD) all suggest that this variant is likely to be disruptive. ClinVar contains an entry for this variant (Variation ID: 844253). This variant has not been reported in the literature in individuals affected with SLC5A7-related conditions.

NM_021815.5(SLC5A7):c.682T>A (p.Trp228Arg)

Gene: SLC5A7 (solute carrier family 5 member 7; plus strand). Cytogenetic location: 2q12.3.
Variant type: single nucleotide variant.
Coding change: c.682T>A on transcript NM_021815.5 (MANE Select); coding-DNA position 682, T replaced by A.
Protein change: p.Trp228Arg; replaces tryptophan 228 with arginine.
Molecular consequence: missense variant. On other transcripts: 5 prime UTR variant (1).
Genome position (GRCh38, 1-based): chr2:108,001,981, T>A. VCF-style: chr2-108001981-T-A. GRCh37 (hg19) VCF-style: chr2-108618437-T-A.
Other names: c.682T>A, p.Trp228Arg (NM_001305005.3); c.367T>A, p.Trp123Arg (NM_001305006.3); c.-60T>A (NM_001305007.3); short protein forms W123R, W228R.
Identifiers: ClinVar variation 844253 (VCV000844253.7), dbSNP rs1677927136, ClinGen allele CA348112892.